The following is an entry in ClinVar:

NM_006509.4(RELB):c.848G>A (p.Arg283Gln)

Gene: RELB (RELB proto-oncogene, NF-kB subunit; plus strand). Cytogenetic location: 19q13.32.
Variant type: single nucleotide variant.
Coding change: c.848G>A on transcript NM_006509.4 (MANE Select); coding-DNA position 848, G replaced by A.
Protein change: p.Arg283Gln; replaces arginine 283 with glutamine.
Molecular consequence: missense variant.
Genome position (GRCh38, 1-based): chr19:45,025,699, G>A. VCF-style: chr19-45025699-G-A. GRCh37 (hg19) VCF-style: chr19-45528957-G-A.
Other names: c.848G>A (NM_006509.3); short protein forms R283Q.
Identifiers: ClinVar variation 1461765 (VCV001461765.9), dbSNP rs752747529, ClinGen allele CA9507667.

ClinVar aggregate classification (germline): Uncertain significance. Review status: criteria provided, multiple submitters, no conflicts (2 of 4 stars). 2 submissions from 2 submitters: Uncertain significance (2). Last evaluated 2024-10-28.

Allele frequency attached by ClinVar (database versions not stated): gnomAD 0.00001 and 0.00002; gnomAD exomes 0.00002 and 0.00004; ExAC 0.00005; TOPMed 0.00005.
gnomAD v4.1: 30 of 1,613,884 alleles (0.0019%); highest among the groups gnomAD compares: East Asian, 0.0022%; no homozygotes.

Submissions (2):

Labcorp Genetics (formerly Invitae), Labcorp
Classification: Uncertain significance. Last evaluated: 2024-10-28. Review status: criteria provided, single submitter. Criteria: Invitae Variant Classification Sherloc (09022015). Collection method: clinical testing. Allele origin: germline.
Comment: This sequence change replaces arginine, which is basic and polar, with glutamine, which is neutral and polar, at codon 283 of the RELB protein (p.Arg283Gln). This variant is present in population databases (rs752747529, gnomAD 0.006%). This variant has not been reported in the literature in individuals affected with RELB-related conditions. ClinVar contains an entry for this variant (Variation ID: 1461765). An algorithm developed to predict the effect of missense changes on protein structure and function outputs the following: PolyPhen-2: "Benign". The glutamine amino acid residue is found in multiple mammalian species, which suggests that this missense change does not adversely affect protein function. In summary, the available evidence is currently insufficient to determine the role of this variant in disease. Therefore, it has been classified as a Variant of Uncertain Significance.

Ambry Genetics
Classification: Uncertain significance. Last evaluated: 2024-09-09. Review status: criteria provided, single submitter. Criteria: Ambry Variant Classification Scheme 2023. Collection method: clinical testing. Allele origin: germline.